The following is an entry in ClinVar:

NM_000199.5(SGSH):c.964A>G (p.Ile322Val)

Gene: SGSH (N-sulfoglucosamine sulfohydrolase; minus strand). Cytogenetic location: 17q25.3.
Variant type: single nucleotide variant.
Coding change: c.964A>G on transcript NM_000199.5 (MANE Select); coding-DNA position 964, A replaced by G.
Protein change: p.Ile322Val; replaces isoleucine 322 with valine.
Molecular consequence: missense variant. On other transcripts: 3 prime UTR variant (2), non-coding transcript variant (1).
Genome position (GRCh38, 1-based): chr17:80,210,997, T>C on the plus strand (A>G on the coding strand, the complement: SGSH is on the minus strand). VCF-style: chr17-80210997-T-C. GRCh37 (hg19) VCF-style: chr17-78184796-T-C.
Other names: c.*51A>G (NM_001352921.3); c.*14A>G (NM_001352922.2); short protein forms I322V.
Identifiers: ClinVar variation 969584 (VCV000969584.12), dbSNP rs151243903, ClinGen allele CA8817703.

ClinVar aggregate classification (germline): Uncertain significance. Review status: criteria provided, multiple submitters, no conflicts (2 of 4 stars). 4 submissions from 4 submitters: Uncertain significance (3). 1 of the submissions does not count toward it. Last evaluated 2024-12-02.

Conditions:
Inborn genetic diseases. Identifiers: MedGen C0950123, MeSH D030342.
Mucopolysaccharidosis, MPS-III-A (MPS3A). Also called: mucopolysaccharidosis type 3A; MPS IIIA (Sanfilippo Syndrome Type A); HEPARAN SULFATE SULFATASE DEFICIENCY; MUCOPOLYSACCHARIDOSIS, TYPE IIIA, ATTENUATED; Mucopolysaccharidosis type IIIA (Sanfilippo A); Mucopolysaccharidosis, type IIIA. Identifiers: Orphanet 581, Orphanet 79269, MedGen C0086647, MONDO:0009655, OMIM 252900.

Allele frequency attached by ClinVar (database versions not stated): gnomAD exomes 0.00002 and 0.00001; ExAC 0.00003; ESP Exome Variant Server 0.00008; TOPMed 0.00014; gnomAD 0.00010 and 0.00009.
gnomAD v4.1: 24 of 1,598,460 alleles (0.0015%); highest among the groups gnomAD compares: African/African-American, 0.027%; no homozygotes.

Submissions (4):

Ambry Genetics
Classification: Uncertain significance for Inborn genetic diseases. Last evaluated: 2024-12-02. Review status: criteria provided, single submitter. Criteria: Ambry Variant Classification Scheme 2023. Collection method: clinical testing. Allele origin: germline.

Labcorp Genetics (formerly Invitae), Labcorp
Classification: Uncertain significance for Mucopolysaccharidosis, MPS-III-A. Last evaluated: 2022-09-07. Review status: criteria provided, single submitter. Criteria: Invitae Variant Classification Sherloc (09022015). Collection method: clinical testing. Allele origin: germline.
Comment: This sequence change replaces isoleucine, which is neutral and non-polar, with valine, which is neutral and non-polar, at codon 322 of the SGSH protein (p.Ile322Val). This variant is present in population databases (rs151243903, gnomAD 0.02%). This variant has not been reported in the literature in individuals affected with SGSH-related conditions. ClinVar contains an entry for this variant (Variation ID: 969584). Algorithms developed to predict the effect of missense changes on protein structure and function output the following: SIFT: "Tolerated"; PolyPhen-2: "Benign"; Align-GVGD: "Class C0". The valine amino acid residue is found in multiple mammalian species, which suggests that this missense change does not adversely affect protein function. In summary, the available evidence is currently insufficient to determine the role of this variant in disease. Therefore, it has been classified as a Variant of Uncertain Significance.

Genome-Nilou Lab
Classification: Uncertain significance for Mucopolysaccharidosis, MPS-III-A. Last evaluated: 2021-11-07. Review status: criteria provided, single submitter. Criteria: ACMG Guidelines, 2015. Collection method: clinical testing. Allele origin: germline. Affected: no.

Natera, Inc.
Classification: Uncertain significance for Mucopolysaccharidosis type IIIA. Last evaluated: 2020-01-24. Review status: no assertion criteria provided. Collection method: clinical testing. Allele origin: germline. Not counted in ClinVar's aggregate classification.